The following is an entry in ClinVar:

NM_001354604.2(MITF):c.371A>T (p.Glu124Val)

Gene: MITF (melanocyte inducing transcription factor; plus strand). Cytogenetic location: 3p13.
Variant type: single nucleotide variant.
Coding change: c.371A>T on transcript NM_001354604.2 (MANE Select); coding-DNA position 371, A replaced by T.
Protein change: p.Glu124Val; replaces glutamic acid 124 with valine.
Molecular consequence: missense variant.
Genome position (GRCh38, 1-based): chr3:69,937,838, A>T. VCF-style: chr3-69937838-A-T. GRCh37 (hg19) VCF-style: chr3-69986989-A-T.
Other names: c.50A>T, p.Glu17Val (NM_000248.4, NM_001184968.2, NM_198158.3 and 1 more transcripts); c.215A>T, p.Glu72Val (NM_001184967.2, NM_001354608.2); c.368A>T, p.Glu123Val (NM_001354605.2, NM_001354606.2, NM_006722.3); c.320A>T, p.Glu107Val (NM_001354607.2); c.371A>T, p.Glu124Val (NM_198159.3); c.323A>T, p.Glu108Val (NM_198177.3); short protein forms E17V, E123V, E124V, E72V, E107V, E108V.
Identifiers: ClinVar variation 4782493 (VCV004782493.2).
Genomic context (GRCh38, chr3:69,937,838, plus strand): 5'-CAAATAACAGCGCTGTTTTCTTTTCCCTCCATGGCTATGTTCAGGTGCAGACCCACCTCG[A>T]AAACCCCACCAAGTACCACATACAGCAAGCCCAACGGCAGCAGGTAAAGCAGTACCTTTC-3'
Protein context (NP_001341533.1, residues 114-134): MEVLKVQTHL[Glu124Val]NPTKYHIQQA

ClinVar aggregate classification (germline): Uncertain significance. Review status: criteria provided, multiple submitters, no conflicts (2 of 4 stars). 2 submissions from 2 submitters: Uncertain significance (2). Last evaluated 2026-04-04.

Conditions:
Hereditary cancer-predisposing syndrome. Also called: Hereditary neoplastic syndrome; Neoplastic Syndromes, Hereditary; Tumor predisposition; Hereditary Cancer Syndrome. Identifiers: Orphanet 140162, MedGen C0027672, MeSH D009386, MONDO:0015356.
Melanoma, cutaneous malignant, susceptibility to, 8. Also called: MELANOMA AND RENAL CELL CARCINOMA, SUSCEPTIBILITY TO; Cutaneous malignant melanoma 8. Identifiers: Orphanet 293822, MedGen C3152204, MONDO:0013759, OMIM 614456.
Tietz syndrome (TADS). Also called: ALBINISM-DEAFNESS OF TIETZ; HYPOPIGMENTATION/DEAFNESS OF TIETZ; TIETZ ALBINISM-DEAFNESS SYNDROME. Identifiers: Orphanet 42665, MedGen C0391816, MONDO:0007077, OMIM 103500.
Waardenburg syndrome type 2A (WS2A). Also called: WAARDENBURG SYNDROME WITHOUT DYSTOPIA CANTHORUM. Identifiers: Orphanet 3440, MedGen C1860339, MONDO:0008671, OMIM 193510.

Submissions (2):

Ambry Genetics
Classification: Uncertain significance for Hereditary cancer-predisposing syndrome. Last evaluated: 2026-04-04. Review status: criteria provided, single submitter. Criteria: Ambry Variant Classification Scheme 2023. Collection method: clinical testing. Allele origin: germline.
Comment: The p.E17V variant (also known as c.50A>T), located in coding exon 2 of the MITF gene, results from an A to T substitution at nucleotide position 50. The glutamic acid at codon 17 is replaced by valine, an amino acid with dissimilar properties. This amino acid position is conserved. In addition, this alteration is predicted to be deleterious by in silico analysis. Based on the available evidence, the clinical significance of this variant remains unclear.

Labcorp Genetics (formerly Invitae), Labcorp
Classification: Uncertain significance for Melanoma, cutaneous malignant, susceptibility to, 8; Waardenburg syndrome type 2A; Tietz syndrome. Last evaluated: 2025-11-05. Review status: criteria provided, single submitter. Criteria: Invitae Variant Classification Sherloc (09022015). Collection method: clinical testing. Allele origin: germline.
Comment: This sequence change replaces glutamic acid, which is acidic and polar, with valine, which is neutral and non-polar, at codon 17 of the MITF protein (p.Glu17Val). This variant is not present in population databases (gnomAD no frequency). This variant has not been reported in the literature in individuals affected with MITF-related conditions. Invitae Evidence Modeling of protein sequence and biophysical properties (such as structural, functional, and spatial information, amino acid conservation, physicochemical variation, residue mobility, and thermodynamic stability) indicates that this missense variant is expected to disrupt MITF protein function with a positive predictive value of 80%. In summary, the available evidence is currently insufficient to determine the role of this variant in disease. Therefore, it has been classified as a Variant of Uncertain Significance.